The following is an entry in ClinVar:

ClinVar aggregate classification (germline): Uncertain significance (1 of 4 stars; one submission).

Conditions:
Neutropenia, severe congenital, 1, autosomal dominant. Identifiers: MedGen C1859966, MONDO:0042490, OMIM 202700.
Cyclical neutropenia. Also called: Cyclic hematopoiesis; Cyclic Neutropenia. Identifiers: Orphanet 2686, MedGen C0221023, MONDO:0008090, OMIM 162800, HP:0040289. Disease mechanism: loss of function.

Submission:

Labcorp Genetics (formerly Invitae), Labcorp
Classification: Uncertain significance for Neutropenia, severe congenital, 1, autosomal dominant; Cyclical neutropenia. Last evaluated: 2023-01-28. Review status: criteria provided, single submitter. Criteria: Invitae Variant Classification Sherloc (09022015). Collection method: clinical testing. Allele origin: germline.
Comment: This variant has not been reported in the literature in individuals affected with ELANE-related conditions. This sequence change results in a frameshift in the ELANE gene (p.Gln247Serfs*?). While this is not anticipated to result in nonsense mediated decay, it is expected to disrupt the last 21 amino acid(s) of the ELANE protein and extend the protein by an uncertain number of additional amino acid residues. This variant is not present in population databases (gnomAD no frequency). In summary, the available evidence is currently insufficient to determine the role of this variant in disease. Therefore, it has been classified as a Variant of Uncertain Significance.

NM_001972.4(ELANE):c.733_737dup (p.Gln247fs)

Gene: ELANE (elastase, neutrophil expressed; plus strand). Cytogenetic location: 19p13.3.
Variant type: Duplication.
Coding change: c.733_737dup on transcript NM_001972.4 (MANE Select); coding-DNA positions 733 to 737, 5 bases duplicated (ATCAT; older notation c.733_737dupATCAT).
Protein change: p.Gln247fs; shifts the reading frame from glutamine 247.
Molecular consequence: frameshift variant.
Genome position (GRCh38, 1-based): chr19:856,093-856,097, ATCAT duplicated; duplicating any 5 consecutive bases within chr19:856,092-856,097 gives the same sequence; the c. name uses the placement nearest the transcript's 3' end. VCF-style (leftmost placement, unchanged base first): chr19-856091-C-CTATCA. GRCh37 (hg19) VCF-style: chr19-856091-C-CTATCA.
Other names: short protein forms Q247fs.
Identifiers: ClinVar variation 2939435 (VCV002939435.3), dbSNP rs2512169454, ClinGen allele CA2740091836.